The following is an entry in ClinVar:

ClinVar aggregate classification (germline): Pathogenic (1 of 4 stars; one submission).

Conditions:
Achondrogenesis, type IA (ACG1A). Identifiers: Orphanet 932, Orphanet 93299, MedGen C0265273, MONDO:0008701, OMIM 200600.

Submission:

Labcorp Genetics (formerly Invitae), Labcorp
Classification: Pathogenic for Achondrogenesis, type IA. Last evaluated: 2023-10-24. Review status: criteria provided, single submitter. Criteria: Invitae Variant Classification Sherloc (09022015). Collection method: clinical testing. Allele origin: germline.
Comment: This sequence change creates a premature translational stop signal (p.Met308Trpfs*8) in the TRIP11 gene. It is expected to result in an absent or disrupted protein product. Loss-of-function variants in TRIP11 are known to be pathogenic (PMID: 20089971, 23956106). This variant is not present in population databases (gnomAD no frequency). This variant has not been reported in the literature in individuals affected with TRIP11-related conditions. ClinVar contains an entry for this variant (Variation ID: 1460090). For these reasons, this variant has been classified as Pathogenic.

Literature cited by the submitters: PubMed 20089971; PubMed 23956106.

NM_004239.4(TRIP11):c.922del (p.Met308fs)

Gene: TRIP11 (thyroid hormone receptor interactor 11; minus strand). Cytogenetic location: 14q32.12.
Variant type: Deletion.
Coding change: c.922del on transcript NM_004239.4 (MANE Select); coding-DNA position 922, one base deleted (A; older notation c.922delA).
Protein change: p.Met308fs; shifts the reading frame from methionine 308.
Molecular consequence: frameshift variant.
Genome position (GRCh38, 1-based): chr14:92,014,479, T deleted on the plus strand (A on the coding strand, the reverse complement: TRIP11 is on the minus strand); the first of 7 consecutive T bases (chr14:92,014,479-92,014,485); deleting any one gives the same sequence. VCF-style (leftmost placement, unchanged base first): chr14-92014478-AT-A. GRCh37 (hg19) VCF-style: chr14-92480822-AT-A.
Other names: c.919del, p.Met307fs (NM_001321851.1); short protein forms M307fs, M308fs.
Identifiers: ClinVar variation 1460090 (VCV001460090.6), dbSNP rs780178406, ClinGen allele CA616112991.